The following is an entry in ClinVar:

ClinVar aggregate classification (germline): Conflicting classifications of pathogenicity. Review status: criteria provided, conflicting classifications (1 of 4 stars). 2 submissions from 2 submitters: Uncertain significance (1); Likely benign (1). Last evaluated 2019-09-23.

Conditions:
Idiopathic generalized epilepsy. Also called: EIG; Generalised epilepsy. Identifiers: MedGen C0270850, MONDO:0005579, OMIM 600669.
Epilepsy, childhood absence 4 (ECA4). Also called: EPILEPSY, CHILDHOOD ABSENCE, SUSCEPTIBILITY TO, 4. Identifiers: Orphanet 307, MedGen C1970160.
Epilepsy, idiopathic generalized, susceptibility to, 13. Also called: EPILEPSY, JUVENILE MYOCLONIC, SUSCEPTIBILITY TO, 5. Identifiers: Orphanet 307, Orphanet 64280, MedGen C4013473, MONDO:0012627, OMIM 611136.
Inborn genetic diseases. Identifiers: MedGen C0950123, MeSH D030342.

gnomAD v4.1: 15 of 1,613,914 alleles (0.00093%); highest among the groups gnomAD compares: East Asian, 0.029%; no homozygotes.

Submissions (2):

Labcorp Genetics (formerly Invitae), Labcorp
Classification: Uncertain significance for Epilepsy, childhood absence 4; EJM5; Idiopathic generalized epilepsy. Last evaluated: 2019-09-23. Review status: criteria provided, single submitter. Criteria: Invitae Variant Classification Sherloc (09022015). Collection method: clinical testing. Allele origin: germline.
Comment: This sequence change replaces alanine with threonine at codon 369 of the GABRA1 protein (p.Ala369Thr). The alanine residue is moderately conserved and there is a small physicochemical difference between alanine and threonine. This variant is present in population databases (rs775344663, ExAC 0.02%). This variant has not been reported in the literature in individuals with GABRA1-related conditions. ClinVar contains an entry for this variant (Variation ID: 590081). Algorithms developed to predict the effect of missense changes on protein structure and function (SIFT, PolyPhen-2, Align-GVGD) all suggest that this variant is likely to be tolerated, but these predictions have not been confirmed by published functional studies and their clinical significance is uncertain. In summary, the available evidence is currently insufficient to determine the role of this variant in disease. Therefore, it has been classified as a Variant of Uncertain Significance.

Ambry Genetics
Classification: Likely benign for Inborn genetic diseases. Last evaluated: 2017-02-25. Review status: criteria provided, single submitter. Criteria: Ambry Variant Classification Scheme 2023. Collection method: clinical testing. Allele origin: germline.

NM_001127644.2(GABRA1):c.1105G>A (p.Ala369Thr)

Gene: GABRA1 (gamma-aminobutyric acid type A receptor subunit alpha1; plus strand). Cytogenetic location: 5q34.
Variant type: single nucleotide variant.
Coding change: c.1105G>A on transcript NM_001127644.2 (MANE Select); coding-DNA position 1105, G replaced by A.
Protein change: p.Ala369Thr; replaces alanine 369 with threonine.
Molecular consequence: missense variant.
Genome position (GRCh38, 1-based): chr5:161,897,156, G>A. VCF-style: chr5-161897156-G-A. GRCh37 (hg19) VCF-style: chr5-161324162-G-A.
Other names: c.1105G>A, p.Ala369Thr (NM_000806.5, NM_001127643.2, NM_001127645.2 and 1 more transcripts); short protein forms A369T.
Identifiers: ClinVar variation 590081 (VCV000590081.6), dbSNP rs775344663, ClinGen allele CA3544579.